The following is an entry in ClinVar:

ClinVar aggregate classification (germline): Uncertain significance (1 of 4 stars; one submission).

Conditions:
Inborn genetic diseases. Identifiers: MedGen C0950123, MeSH D030342.

gnomAD v4.1: 1 of 1,613,792 alleles (0.000062%); highest among the groups gnomAD compares: Non-Finnish European, 0.000085%; no homozygotes.

Submission:

Ambry Genetics
Classification: Uncertain significance for Inborn genetic diseases. Last evaluated: 2026-09-07. Review status: criteria provided, single submitter. Criteria: Ambry Variant Classification Scheme 2023. Collection method: clinical testing. Allele origin: germline.
Comment: The p.D826G variant (also known as c.2477A>G), located in coding exon 8 of the MECOM gene, results from an A to G substitution at nucleotide position 2477. The aspartic acid at codon 826 is replaced by glycine, an amino acid with similar properties. This amino acid position is conserved. In addition, the in silico prediction for this alteration is inconclusive. Based on the available evidence, the clinical significance of this variant remains unclear.

NM_004991.4(MECOM):c.2477A>G (p.Asp826Gly)

Gene: MECOM (MDS1 and EVI1 complex locus; minus strand). Cytogenetic location: 3q26.2.
Variant type: single nucleotide variant.
Coding change: c.2477A>G on transcript NM_004991.4 (MANE Select); coding-DNA position 2477, A replaced by G.
Protein change: p.Asp826Gly; replaces aspartic acid 826 with glycine.
Molecular consequence: missense variant.
Genome position (GRCh38, 1-based): chr3:169,115,395, T>C on the plus strand (A>G on the coding strand, the complement: MECOM is on the minus strand). VCF-style: chr3-169115395-T-C. GRCh37 (hg19) VCF-style: chr3-168833183-T-C.
Other names: c.2108A>G, p.Asp703Gly (NM_001105077.4); c.1913A>G, p.Asp638Gly (NM_001105078.4, NM_001164000.2, NM_001205194.2 and 4 more transcripts); c.1916A>G, p.Asp639Gly (NM_001163999.2, NM_001366467.2, NM_001366468.2 and 1 more transcripts); c.2477A>G, p.Asp826Gly (NM_001366466.2); c.1505A>G, p.Asp502Gly (NM_001366473.2); c.941A>G, p.Asp314Gly (NM_001366474.2); short protein forms D314G, D826G, D638G, D502G, D703G, D639G.
Identifiers: ClinVar variation 5024216 (VCV005024216.1).